The following is an entry in ClinVar:

ClinVar aggregate classification (germline): Uncertain significance (1 of 4 stars; one submission).

Allele frequency attached by ClinVar (database versions not stated): gnomAD exomes below 0.00001 and 0.00001; ExAC 0.00001.
gnomAD v4.1: 8 of 1,612,592 alleles (0.0005%); highest among the groups gnomAD compares: East Asian, 0.0045%; no homozygotes.

Submission:

CeGaT Center for Human Genetics Tuebingen
Classification: Uncertain significance. Last evaluated: 2023-03-01. Review status: criteria provided, single submitter. Criteria: CeGaT Center For Human Genetics Tuebingen Variant Classification Criteria Version 2. Collection method: clinical testing. Allele origin: germline. Affected: yes. Observed: 2 variant alleles.
Comment: MAPK8IP3: PM2

NM_001318852.2(MAPK8IP3):c.2599G>A (p.Gly867Arg)

Gene: MAPK8IP3 (mitogen-activated protein kinase 8 interacting protein 3; plus strand). Cytogenetic location: 16p13.3.
Variant type: single nucleotide variant.
Coding change: c.2599G>A on transcript NM_001318852.2 (MANE Select); coding-DNA position 2599, G replaced by A.
Protein change: p.Gly867Arg; replaces glycine 867 with arginine.
Molecular consequence: missense variant.
Genome position (GRCh38, 1-based): chr16:1,766,112, G>A. VCF-style: chr16-1766112-G-A. GRCh37 (hg19) VCF-style: chr16-1816113-G-A.
Other names: c.2578G>A, p.Gly860Arg (NM_001040439.2); c.2596G>A, p.Gly866Arg (NM_015133.5); short protein forms G860R, G866R, G867R.
Identifiers: ClinVar variation 1675600 (VCV001675600.33), dbSNP rs762254978, ClinGen allele CA7817340.